The following is an entry in ClinVar:

ClinVar aggregate classification (germline): Uncertain significance (1 of 4 stars; one submission).

Conditions:
Breast-ovarian cancer, familial, susceptibility to, 4. Identifiers: Orphanet 145, MedGen C3280345, MONDO:0013669, OMIM 614291.

Submission:

Labcorp Genetics (formerly Invitae), Labcorp
Classification: Uncertain significance for Breast-ovarian cancer, familial, susceptibility to, 4. Last evaluated: 2022-04-28. Review status: criteria provided, single submitter. Criteria: Invitae Variant Classification Sherloc (09022015). Collection method: clinical testing. Allele origin: germline.
Comment: In summary, the available evidence is currently insufficient to determine the role of this variant in disease. Therefore, it has been classified as a Variant of Uncertain Significance. Algorithms developed to predict the effect of missense changes on protein structure and function (SIFT, PolyPhen-2, Align-GVGD) all suggest that this variant is likely to be disruptive. This variant has not been reported in the literature in individuals affected with RAD51D-related conditions. This variant is not present in population databases (gnomAD no frequency). This sequence change replaces aspartic acid, which is acidic and polar, with histidine, which is basic and polar, at codon 90 of the RAD51D protein (p.Asp90His).

NM_002878.4(RAD51D):c.268G>C (p.Asp90His)

Genes: RAD51L3-RFFL (RAD51L3-RFFL readthrough; minus strand), RAD51D (RAD51 paralog D; minus strand). Cytogenetic location: 17q12.
Variant type: single nucleotide variant.
Coding change: c.268G>C on transcript NM_002878.4 (MANE Select); coding-DNA position 268, G replaced by C.
Protein change: p.Asp90His; replaces aspartic acid 90 with histidine.
Molecular consequence: missense variant. On other transcripts: non-coding transcript variant (2), intron variant (1).
Genome position (GRCh38, 1-based): chr17:35,107,443, C>G on the plus strand (G>C on the coding strand, the complement: RAD51D is on the minus strand). VCF-style: chr17-35107443-C-G. GRCh37 (hg19) VCF-style: chr17-33434462-C-G.
Other names: c.328G>C, p.Asp110His (NM_001142571.2); c.145-962G>C (NM_133629.3); short protein forms D110H, D90H.
Identifiers: ClinVar variation 2131492 (VCV002131492.4), dbSNP rs371561526, ClinGen allele CA399090028.
Genomic context (GRCh38, chr17:35,107,443, plus strand): 5'-CTGGGCCTCCTACAATTTCAGTCACTTCTCCAGTATAGAGACCAGCATCAAGCAGTTTAT[C>G]AAGACTGATGGCAGAAGAGAAGAAAATCAACACAAGAGGTTAGGAGGAAGACAGGGGAAA-3'
Protein context (NP_002869.3, residues 80-100): AILSTGIGSL[Asp90His]KLLDAGLYTG